The following is an entry in ClinVar:

ClinVar aggregate classification (germline): Uncertain significance (1 of 4 stars; one submission).

Conditions:
Familial cancer of breast. Also called: BREAST CANCER, FAMILIAL; Hereditary breast cancer; hereditary breast carcinoma. Identifiers: Orphanet 227535, MedGen C0346153, MONDO:0016419, OMIM 114480. Disease mechanism: loss of function.

Allele frequency attached by ClinVar (database versions not stated): gnomAD exomes below 0.00001.
gnomAD v4.1: 1 of 1,614,106 alleles (0.000062%); highest among the groups gnomAD compares: South Asian, 0.0011%; no homozygotes.

Submission:

Neuberg Centre For Genomic Medicine, NCGM
Classification: Uncertain significance for Familial cancer of breast. Review status: criteria provided, single submitter. Criteria: ACMG Guidelines, 2015. Collection method: clinical testing. Allele origin: germline. Affected: yes.
Comment: The missense variant p.G2186R in ATM (NM_000051.4) has not been reported previously as a pathogenic variant nor as a benign variant, to our knowledge. The p.G2186R variant is novel (not in any individuals) in gnomAD Exomes and is novel (not in any individuals) in 1000 Genomes. The p.G2186R missense variant is predicted to be damaging by both SIFT and PolyPhen2. The glycine residue at codon 2186 of ATM is conserved in all mammalian species. The nucleotide c.6556 in ATM is predicted conserved by GERP++ and PhyloP across 100 vertebrates. For these reasons, this variant has been classified as Uncertain Significance.

NM_000051.4(ATM):c.6556G>A (p.Gly2186Arg)

Genes: ATM (ATM serine/threonine kinase; plus strand), C11orf65 (chromosome 11 open reading frame 65; minus strand). Cytogenetic location: 11q22.3.
Variant type: single nucleotide variant.
Coding change: c.6556G>A on transcript NM_000051.4 (MANE Select); coding-DNA position 6556, G replaced by A.
Protein change: p.Gly2186Arg; replaces glycine 2186 with arginine.
Molecular consequence: missense variant. On other transcripts: intron variant (2).
Genome position (GRCh38, 1-based): chr11:108,321,404, G>A. VCF-style: chr11-108321404-G-A. GRCh37 (hg19) VCF-style: chr11-108192131-G-A.
Other names: c.[6556G>A] (NM_000051.3); c.6556G>A, p.Gly2186Arg (NM_001351834.2); c.641-12333C>T (NM_001330368.2); c.*39-12333C>T (NM_001351110.2); short protein forms G2186R.
Identifiers: ClinVar variation 1339001 (VCV001339001.4), dbSNP rs2136242830, ClinGen allele CA382554365.